The following is an entry in ClinVar:

NM_020361.5(CPA6):c.733T>G (p.Phe245Val)

Genes: ARFGEF1-DT (ARFGEF1 divergent transcript; plus strand), CPA6 (carboxypeptidase A6; minus strand). Cytogenetic location: 8q13.2.
Variant type: single nucleotide variant.
Coding change: c.733T>G on transcript NM_020361.5 (MANE Select); coding-DNA position 733, T replaced by G.
Protein change: p.Phe245Val; replaces phenylalanine 245 with valine.
Molecular consequence: missense variant.
Genome position (GRCh38, 1-based): chr8:67,484,693, A>C on the plus strand (T>G on the coding strand, the complement: CPA6 is on the minus strand). VCF-style: chr8-67484693-A-C. GRCh37 (hg19) VCF-style: chr8-68396928-A-C.
Other names: short protein forms F245V.
Identifiers: ClinVar variation 424519 (VCV000424519.3), dbSNP rs771817870, ClinGen allele CA4772884.

ClinVar aggregate classification (germline): Uncertain significance. Review status: criteria provided, multiple submitters, no conflicts (2 of 4 stars). 2 submissions from 2 submitters: Uncertain significance (2). Last evaluated 2021-07-30.

Conditions:
Epilepsy. Also called: Seizure disorder. Identifiers: MedGen C0014544, MeSH D004827, MONDO:0005027.

Allele frequency attached by ClinVar (database versions not stated): gnomAD below 0.00001 and 0.00001; gnomAD exomes 0.00001; ExAC 0.00002.
gnomAD v4.1: 13 of 1,582,100 alleles (0.00082%); highest among the groups gnomAD compares: South Asian, 0.0044%; no homozygotes.

Submissions (2):

Department of Pathology and Laboratory Medicine, Sinai Health System
Classification: Uncertain significance for epilepsy. Last evaluated: 2021-07-30. Review status: criteria provided, single submitter. Criteria: ACMG Guidelines, 2015. Collection method: research. Allele origin: germline.

GeneDx
Classification: Uncertain significance. Last evaluated: 2017-03-21. Review status: criteria provided, single submitter. Criteria: GeneDx Variant Classification (06012015). Collection method: clinical testing. Allele origin: germline. Affected: yes.
Comment: The F245V variant in the CPA6 gene has not been reported previously as a pathogenic variant, nor as a benign variant, to our knowledge. The F245V variant is not observed at a significant frequency in large population cohorts (Lek et al., 2016; 1000 Genomes Consortium et al., 2015; Exome Variant Server). The F245V variant is a semi-conservative amino acid substitution, which may impact secondary protein structure as these residues differ in some properties. This substitution occurs at a position that is conserved in mammals. In silico analysis predicts this variant is probably damaging to the protein structure/function. We interpret F245V as a variant of uncertain significance.